The following is an entry in ClinVar:

NM_001267550.2(TTN):c.12740A>G (p.Glu4247Gly)

Gene: TTN (titin; minus strand). Cytogenetic location: 2q31.2.
Variant type: single nucleotide variant.
Coding change: c.12740A>G on transcript NM_001267550.2 (MANE Select); coding-DNA position 12740, A replaced by G.
Protein change: p.Glu4247Gly; replaces glutamic acid 4247 with glycine.
Molecular consequence: missense variant. On other transcripts: intron variant (1).
Genome position (GRCh38, 1-based): chr2:178,740,493, T>C on the plus strand (A>G on the coding strand, the complement: TTN is on the minus strand). VCF-style: chr2-178740493-T-C. GRCh37 (hg19) VCF-style: chr2-179605220-T-C.
Other names: c.12740A>G (NM_001267550.1); c.11789A>G, p.Glu3930Gly (NM_001256850.1); c.11651A>G, p.Glu3884Gly (NM_003319.4); c.12026A>G, p.Glu4009Gly (NM_133432.3); c.12227A>G, p.Glu4076Gly (NM_133437.4); c.10361-2133A>G (NM_133378.4); short protein forms E3930G, E4247G, E4009G, E3884G, E4076G.
Identifiers: ClinVar variation 626696 (VCV000626696.4), dbSNP rs879038684, ClinGen allele CA60984099.

ClinVar aggregate classification (germline): Conflicting classifications of pathogenicity. Review status: criteria provided, conflicting classifications (1 of 4 stars). 2 submissions from 2 submitters: Uncertain significance (1); Likely benign (1). Last evaluated 2024-12-19.

Conditions:
Cardiomyopathy (CMYO). Also called: Cardiomyopathies. Identifiers: Orphanet 167848, MedGen C0878544, MONDO:0004994, HP:0001638. Inheritance: Various modes of inheritance.

Allele frequency attached by ClinVar (database versions not stated): gnomAD 0.00001; gnomAD exomes 0.00001; TOPMed 0.00001.
gnomAD v4.1: 20 of 1,613,626 alleles (0.0012%); highest among the groups gnomAD compares: East Asian, 0.0022%; no homozygotes.

Submissions (2):

Athena Diagnostics
Classification: Uncertain significance. Last evaluated: 2024-12-19. Review status: criteria provided, single submitter. Criteria: Athena Diagnostics Criteria. Collection method: clinical testing. Allele origin: unknown.
Comment: Available data are insufficient to determine the clinical significance of the variant at this time. The frequency of this variant in the general population is uninformative in assessment of its pathogenicity. Polyphen and MutationTaster predict this amino acid change may be benign.

CHEO Genetics Diagnostic Laboratory, Children's Hospital of Eastern Ontario
Classification: Likely benign for Cardiomyopathy. Last evaluated: 2023-01-30. Review status: criteria provided, single submitter. Criteria: ACMG Guidelines, 2015. Collection method: clinical testing. Allele origin: germline. Study: Canadian Open Genetics Repository.